The following is an entry in ClinVar:

ClinVar aggregate classification (germline): Uncertain significance (1 of 4 stars; one submission).

Submission:

Labcorp Genetics (formerly Invitae), Labcorp
Classification: Uncertain significance. Last evaluated: 2025-09-02. Review status: criteria provided, single submitter. Criteria: Invitae Variant Classification Sherloc (09022015). Collection method: clinical testing. Allele origin: germline.
Comment: This variant, c.812_814del, results in the deletion of 1 amino acid(s) of the PLK4 protein (p.Thr271del), but otherwise preserves the integrity of the reading frame. This variant is present in population databases (rs766612803, gnomAD 0.01%). This variant has not been reported in the literature in individuals affected with PLK4-related conditions. Experimental studies and prediction algorithms are not available or were not evaluated, and the functional significance of this variant is currently unknown. In summary, the available evidence is currently insufficient to determine the role of this variant in disease. Therefore, it has been classified as a Variant of Uncertain Significance.

NM_014264.5(PLK4):c.809CAA[1] (p.Thr271del)

Gene: PLK4 (polo like kinase 4; plus strand). Cytogenetic location: 4q28.1.
Variant type: Microsatellite.
Coding change: c.809CAA[1] on transcript NM_014264.5 (MANE Select); one copy of the 3-base unit CAA starting at c.809; the reference has two copies in a row; one copy, 3 bases deleted.
Protein change: p.Thr271del; deletes threonine 271.
Molecular consequence: inframe deletion.
Genome position (GRCh38, 1-based): chr4:127,886,182-127,886,184, CAA deleted; deleting any 3 consecutive bases within chr4:127,886,179-127,886,184 gives the same sequence; the position shown is the placement nearest the transcript's 3' end. VCF-style (leftmost placement, unchanged base first): chr4-127886178-TCAA-T. GRCh37 (hg19) VCF-style: chr4-128807333-TCAA-T.
Other names: c.713CAA[1], p.Thr239del (NM_001190799.2); c.686CAA[1], p.Thr230del (NM_001190801.2); short protein forms T230del, T239del, T271del.
Identifiers: ClinVar variation 1429055 (VCV001429055.5), dbSNP rs766612803, ClinGen allele CA3076640.
Genomic context (GRCh38, chr4:127,886,178, plus strand): 5'-CCAGCAGATCGTTTAAGTCTGTCTTCAGTATTGGACCATCCTTTTATGTCCCGAAATTCT[TCAA>T]CAAAAAGTAAAGATTTAGGAACTGTGGAAGACTCAATTGATAGTGGGCATGCCACAATTT-3'